The following is an entry in ClinVar:

ClinVar aggregate classification (germline): Likely benign (1 of 4 stars; one submission).

Allele frequency attached by ClinVar (database versions not stated): ExAC 0.00002; gnomAD exomes 0.00004 and 0.00011; gnomAD 0.00007 and 0.00009; ESP Exome Variant Server 0.00008; TOPMed 0.00008.
gnomAD v4.1: 171 of 1,613,496 alleles (0.011%); highest among the groups gnomAD compares: Non-Finnish European, 0.014%; no homozygotes.

Submission:

GeneDx
Classification: Likely benign. Last evaluated: 2017-12-27. Review status: criteria provided, single submitter. Criteria: GeneDx Variant Classification (06012015). Collection method: clinical testing. Allele origin: germline. Affected: yes.
Comment: This variant is considered likely benign or benign based on one or more of the following criteria: it is a conservative change, it occurs at a poorly conserved position in the protein, it is predicted to be benign by multiple in silico algorithms, and/or has population frequency not consistent with disease.

NM_153026.3(PRICKLE1):c.-40G>A

Gene: PRICKLE1 (prickle planar cell polarity protein 1; minus strand). Cytogenetic location: 12q12.
Variant type: single nucleotide variant.
Coding change: c.-40G>A on transcript NM_153026.3 (MANE Select); 40 bases upstream of the start codon, G replaced by A.
Molecular consequence: 5 prime UTR variant.
Genome position (GRCh38, 1-based): chr12:42,472,556, C>T on the plus strand (G>A on the coding strand, the complement: PRICKLE1 is on the minus strand). VCF-style: chr12-42472556-C-T. GRCh37 (hg19) VCF-style: chr12-42866358-C-T.
Other names: c.-40G>A (NM_001144881.2, NM_001144882.2, NM_001144883.2).
Identifiers: ClinVar variation 308710 (VCV000308710.1), dbSNP rs370363439, ClinGen allele CA6520020.